The following is an entry in ClinVar:

NM_006231.4(POLE):c.5188_5195delinsT (p.Leu1729_Asp1730insTer)

Gene: POLE (DNA polymerase epsilon, catalytic subunit; minus strand). Cytogenetic location: 12q24.33.
Variant type: Indel.
Coding change: c.5188_5195delinsT on transcript NM_006231.4 (MANE Select); coding-DNA positions 5188 to 5195, GACCTTCA replaced by T.
Protein change: p.Leu1729_Asp1730insTer.
Molecular consequence: nonsense.
Genome position (GRCh38, 1-based): chr12:132,641,830-132,641,837, TGAAGGTC replaced by A on the plus strand (GACCTTCA replaced by T on the coding strand, the reverse complement: POLE is on the minus strand). VCF-style: chr12-132641830-TGAAGGTC-A. GRCh37 (hg19) VCF-style: chr12-133218416-TGAAGGTC-A.
Identifiers: ClinVar variation 3935764 (VCV003935764.1).

ClinVar aggregate classification (germline): Uncertain significance (1 of 4 stars; one submission).

Conditions:
Hereditary cancer-predisposing syndrome. Also called: Tumor predisposition; Hereditary neoplastic syndrome; Hereditary Cancer Syndrome; Neoplastic Syndromes, Hereditary. Identifiers: Orphanet 140162, MedGen C0027672, MeSH D009386, MONDO:0015356.

Submission:

Ambry Genetics
Classification: Uncertain significance for Hereditary cancer-predisposing syndrome. Last evaluated: 2025-05-16. Review status: criteria provided, single submitter. Criteria: Ambry Variant Classification Scheme 2023. Collection method: clinical testing. Allele origin: germline.
Comment: The c.5188_5195delGACCTTCAinsT variant, located in coding exon 39 of the POLE gene, results from the deletion of 8 nucleotides and insertion of one nucleotide causing a translational frameshift with a predicted alternate stop codon (p.D1730*). This alteration is expected to result in loss of function by premature protein truncation or nonsense-mediated mRNA decay. Although biallelic loss of function of POLE has been associated with autosomal recessive POLE deficiency, haploinsufficiency of POLE has not been established as a mechanism of disease for POLE-related polymerase proofreading-associated polyposis (PPAP) and POLE-related CMMRD-like syndrome. Based on the supporting evidence, this variant is expected to be causative of POLE deficiency when present along with a second pathogenic variant on the other allele; however, its clinical significance for PPAP and POLE-related CMMRD-like syndrome is unclear.